The following is an entry in ClinVar:

ClinVar aggregate classification (germline): Pathogenic/Likely pathogenic. Review status: criteria provided, multiple submitters, no conflicts (2 of 4 stars). 2 submissions from 2 submitters: Pathogenic (1); Likely pathogenic (1). Last evaluated 2026-08-03.

Conditions:
Hereditary breast ovarian cancer syndrome. Also called: Breast and ovarian cancer; Hereditary breast and ovarian cancer syndrome (HBOC); BRCA1- and BRCA2-Associated Hereditary Breast and Ovarian Cancer; Hereditary breast and ovarian cancer syndrome; Hereditary breast and ovarian cancer; Hereditary breast and/or ovarian cancer syndrome. Identifiers: Orphanet 145, MedGen C0677776, MeSH D061325, MONDO:0003582. Disease mechanism: loss of function.
Hereditary cancer-predisposing syndrome. Also called: Neoplastic Syndromes, Hereditary; Hereditary Cancer Syndrome; Hereditary neoplastic syndrome; Tumor predisposition. Identifiers: Orphanet 140162, MedGen C0027672, MeSH D009386, MONDO:0015356.

Submissions (2):

Ambry Genetics
Classification: Pathogenic for Hereditary cancer-predisposing syndrome. Last evaluated: 2026-08-03. Review status: criteria provided, single submitter. Criteria: Ambry Variant Classification Scheme 2023. Collection method: clinical testing. Allele origin: germline.
Comment: The p.Y1324* pathogenic mutation (also known as c.3972T>G), located in coding exon 10 of the BRCA2 gene, results from a T to G substitution at nucleotide position 3972. This changes the amino acid from a tyrosine to a stop codon within coding exon 10. This variant is considered to be rare based on population cohorts in the Genome Aggregation Database (gnomAD). This variant is expected to result in loss of function by premature protein truncation or nonsense-mediated mRNA decay. As such, this variant is interpreted as a disease-causing mutation.

Women's Health and Genetics/Laboratory Corporation of America, LabCorp
Classification: Likely pathogenic for Hereditary breast and ovarian cancer syndrome. Last evaluated: 2018-03-08. Review status: criteria provided, single submitter. Criteria: LabCorp Variant Classification Summary - May 2015. Collection method: clinical testing. Allele origin: germline.
Comment: Variant summary: BRCA2 c.3972T>G (p.Tyr1324X) results in a premature termination codon, predicted to cause a truncation of the encoded protein or absence of the protein due to nonsense mediated decay, which are commonly known mechanisms for disease. Truncations downstream of this position have been classified as pathogenic by our laboratory (eg. c.3975_3978dupTGCT, p.Ala1327fsX4; c.4003G>T, p.Glu1335X; c.4058_4062delAAACG, p.Glu1353fsX6). The variant was absent in 103324 control chromosomes. To our knowledge, no occurrence of c.3972T>G in individuals affected with Hereditary Breast and Ovarian Cancer and no experimental evidence demonstrating its impact on protein function have been reported. No clinical diagnostic laboratories have submitted clinical-significance assessments for this variant to ClinVar after 2014. Based on the evidence outlined above, the variant was classified as likely pathogenic.

NM_000059.4(BRCA2):c.3972T>G (p.Tyr1324Ter)

Gene: BRCA2 (BRCA2 DNA repair associated; plus strand). Cytogenetic location: 13q13.1.
Variant type: single nucleotide variant.
Coding change: c.3972T>G on transcript NM_000059.4 (MANE Select); coding-DNA position 3972, T replaced by G.
Protein change: p.Tyr1324Ter; replaces tyrosine 1324 with a stop codon.
Molecular consequence: nonsense.
Genome position (GRCh38, 1-based): chr13:32,338,327, T>G. VCF-style: chr13-32338327-T-G. GRCh37 (hg19) VCF-style: chr13-32912464-T-G.
Other names: short protein forms Y1324*.
Identifiers: ClinVar variation 632696 (VCV000632696.2), dbSNP rs1131692119, ClinGen allele CA387778937.